The following is an entry in ClinVar:

NM_002716.5(PPP2R1B):c.206-8A>G

Gene: PPP2R1B (protein phosphatase 2 scaffold subunit Abeta; minus strand). Cytogenetic location: 11q23.1.
Variant type: single nucleotide variant.
Coding change: c.206-8A>G on transcript NM_002716.5 (MANE Select); 8 bases into the intron before coding-DNA position 206, A replaced by G.
Molecular consequence: intron variant.
Genome position (GRCh38, 1-based): chr11:111,764,913, T>C on the plus strand (A>G on the coding strand, the complement: PPP2R1B is on the minus strand). VCF-style: chr11-111764913-T-C. GRCh37 (hg19) VCF-style: chr11-111635637-T-C.
Other names: c.114+1335A>G (NM_181700.2); c.206-8A>G (NM_181699.3, NM_001177563.2, NM_001177562.2).
Identifiers: ClinVar variation 3352724 (VCV003352724.1).
Genomic context (GRCh38, chr11:111,764,913, plus strand): 5'-TCCCAGCTGCTCAGCAAGAGCTAATAGTACCTCATCTTCATCATAAATTGTATCTGGAAG[T>C]GACAACAACAGGACTCATCAACATGGATAGCTCTCCCACAGCTGGACACTGACACAAAAC-3'

ClinVar aggregate classification (germline): Likely benign (0 of 4 stars; one submission).

Conditions:
PPP2R1B-related disorder. Also called: PPP2R1B-related condition.

gnomAD v4.1: 1 of 1,613,342 alleles (0.000062%); highest among the groups gnomAD compares: Admixed American, 0.0017%; no homozygotes.

Submission:

PreventionGenetics, part of Exact Sciences
Classification: Likely benign for PPP2R1B-related condition. Last evaluated: 2019-05-08. Review status: no assertion criteria provided. Collection method: clinical testing. Allele origin: germline.
Comment: This variant is classified as likely benign based on ACMG/AMP sequence variant interpretation guidelines (Richards et al. 2015 PMID: 25741868, with internal and published modifications).